The following is an entry in ClinVar:

NM_015375.3(DSTYK):c.1522G>A (p.Val508Ile)

Gene: DSTYK (dual serine/threonine and tyrosine protein kinase; minus strand). Cytogenetic location: 1q32.1.
Variant type: single nucleotide variant.
Coding change: c.1522G>A on transcript NM_015375.3 (MANE Select); coding-DNA position 1522, G replaced by A.
Protein change: p.Val508Ile; replaces valine 508 with isoleucine.
Molecular consequence: missense variant.
Genome position (GRCh38, 1-based): chr1:205,163,758, C>T on the plus strand (G>A on the coding strand, the complement: DSTYK is on the minus strand). VCF-style: chr1-205163758-C-T. GRCh37 (hg19) VCF-style: chr1-205132886-C-T.
Other names: c.1522G>A, p.Val508Ile (NM_199462.3); short protein forms V508I.
Identifiers: ClinVar variation 2089481 (VCV002089481.4), dbSNP rs2526841062, ClinGen allele CA344397099.

ClinVar aggregate classification (germline): Uncertain significance (1 of 4 stars; one submission).

Allele frequency attached by ClinVar (database versions not stated): gnomAD exomes below 0.00001.
gnomAD v4.1: 3 of 1,614,134 alleles (0.00019%); highest among the groups gnomAD compares: African/African-American, 0.0027%; no homozygotes.

Submission:

Labcorp Genetics (formerly Invitae), Labcorp
Classification: Uncertain significance. Last evaluated: 2022-03-19. Review status: criteria provided, single submitter. Criteria: Invitae Variant Classification Sherloc (09022015). Collection method: clinical testing. Allele origin: germline.
Comment: In summary, the available evidence is currently insufficient to determine the role of this variant in disease. Therefore, it has been classified as a Variant of Uncertain Significance. Algorithms developed to predict the effect of missense changes on protein structure and function output the following: SIFT: "Tolerated"; PolyPhen-2: "Benign"; Align-GVGD: "Class C0". The isoleucine amino acid residue is found in multiple mammalian species, which suggests that this missense change does not adversely affect protein function. This variant has not been reported in the literature in individuals affected with DSTYK-related conditions. This variant is not present in population databases (gnomAD no frequency). This sequence change replaces valine, which is neutral and non-polar, with isoleucine, which is neutral and non-polar, at codon 508 of the DSTYK protein (p.Val508Ile).